The following is an entry in ClinVar:

ClinVar aggregate classification (germline): Uncertain significance (1 of 4 stars; one submission).

Submission:

Ambry Genetics
Classification: Uncertain significance. Last evaluated: 2022-03-01. Review status: criteria provided, single submitter. Criteria: Ambry Variant Classification Scheme 2023. Collection method: clinical testing. Allele origin: germline.
Comment: The p.G1696C variant (also known as c.5086G>T), located in coding exon 4 of the ALPK2 gene, results from a G to T substitution at nucleotide position 5086. The glycine at codon 1696 is replaced by cysteine, an amino acid with highly dissimilar properties. This amino acid position is conserved. In addition, this alteration is predicted to be tolerated by in silico analysis. Since supporting evidence is limited at this time, the clinical significance of this alteration remains unclear.

NM_052947.4(ALPK2):c.5086G>T (p.Gly1696Cys)

Genes: ALPK2 (alpha kinase 2; minus strand), LOC130062577 (ATAC-STARR-seq lymphoblastoid active region 13389; plus strand). Cytogenetic location: 18q21.31.
Variant type: single nucleotide variant.
Coding change: c.5086G>T on transcript NM_052947.4 (MANE Select); coding-DNA position 5086, G replaced by T.
Protein change: p.Gly1696Cys; replaces glycine 1696 with cysteine.
Molecular consequence: missense variant.
Genome position (GRCh38, 1-based): chr18:58,535,101, C>A on the plus strand (G>T on the coding strand, the complement: ALPK2 is on the minus strand). VCF-style: chr18-58535101-C-A. GRCh37 (hg19) VCF-style: chr18-56202333-C-A.
Other names: short protein forms G1696C.
Identifiers: ClinVar variation 1745247 (VCV001745247.2), dbSNP rs774436119, ClinGen allele CA402558247.
Genomic context (GRCh38, chr18:58,535,101, plus strand): 5'-CTGGCTTCCTCTTGACCTCCTCTGACCCCGTCACTGCTGTGAGGGTCCCTGGCGATTTGC[C>A]TGCTCGGGCTTCCAGGGACTTCTCTCTCTCCCTGGACTTTTTCGCACAGCCCAGGGTGCC-3'
Protein context (NP_443179.3, residues 1686-1706): EREKSLEARA[Gly1696Cys]KSPGTLTAVT